The following is an entry in ClinVar:

NM_198253.3(TERT):c.952G>T (p.Asp318Tyr)

Gene: TERT (telomerase reverse transcriptase; minus strand). Cytogenetic location: 5p15.33.
Variant type: single nucleotide variant.
Coding change: c.952G>T on transcript NM_198253.3 (MANE Select); coding-DNA position 952, G replaced by T.
Protein change: p.Asp318Tyr; replaces aspartic acid 318 with tyrosine.
Molecular consequence: missense variant. On other transcripts: non-coding transcript variant (2).
Genome position (GRCh38, 1-based): chr5:1,293,934, C>A on the plus strand (G>T on the coding strand, the complement: TERT is on the minus strand). VCF-style: chr5-1293934-C-A. GRCh37 (hg19) VCF-style: chr5-1294049-C-A.
Other names: c.952G>T, p.Asp318Tyr (NM_001193376.3, NM_003219.1); short protein forms D318Y.
Identifiers: ClinVar variation 1963107 (VCV001963107.7), dbSNP rs1272682886, ClinGen allele CA359056089.

ClinVar aggregate classification (germline): Uncertain significance. Review status: criteria provided, multiple submitters, no conflicts (2 of 4 stars). 3 submissions from 3 submitters: Uncertain significance (3). Last evaluated 2024-11-03.

Conditions:
Dyskeratosis congenita, autosomal dominant 2. Identifiers: MedGen C3151443, MONDO:0013521, OMIM 613989.
Idiopathic Pulmonary Fibrosis. Also called: Idiopathic fibrosing alveolitis, chronic form; idiopathic fibrosing alveolitis. Identifiers: Orphanet 2032, MedGen C1800706, MeSH D054990, MONDO:0800504.
Dyskeratosis congenita. Identifiers: Orphanet 1775, MedGen C0265965, MONDO:0015780.

Allele frequency attached by ClinVar (database versions not stated): gnomAD exomes below 0.00001; TOPMed below 0.00001.
gnomAD v4.1: 1 of 1,544,478 alleles (0.000065%); highest among the groups gnomAD compares: Non-Finnish European, 0.000087%; no homozygotes.

Submissions (3):

Ambry Genetics
Classification: Uncertain significance for Dyskeratosis congenita. Last evaluated: 2024-11-03. Review status: criteria provided, single submitter. Criteria: Ambry Variant Classification Scheme 2023. Collection method: clinical testing. Allele origin: germline.
Comment: The p.D318Y variant (also known as c.952G>T), located in coding exon 2 of the TERT gene, results from a G to T substitution at nucleotide position 952. The aspartic acid at codon 318 is replaced by tyrosine, an amino acid with highly dissimilar properties. This amino acid position is conserved. In addition, this alteration is predicted to be tolerated by in silico analysis. Based on the available evidence, the clinical significance of this variant remains unclear.

GeneDx
Classification: Uncertain significance. Last evaluated: 2024-05-06. Review status: criteria provided, single submitter. Criteria: GeneDx Variant Classification Process June 2021. Collection method: clinical testing. Allele origin: germline. Affected: yes.
Comment: Not observed at significant frequency in large population cohorts (gnomAD); In silico analysis indicates that this missense variant does not alter protein structure/function; Has not been previously published as pathogenic or benign to our knowledge

Labcorp Genetics (formerly Invitae), Labcorp
Classification: Uncertain significance for Dyskeratosis congenita, autosomal dominant 2; Idiopathic Pulmonary Fibrosis. Last evaluated: 2023-06-20. Review status: criteria provided, single submitter. Criteria: Invitae Variant Classification Sherloc (09022015). Collection method: clinical testing. Allele origin: germline.
Comment: This sequence change replaces aspartic acid, which is acidic and polar, with tyrosine, which is neutral and polar, at codon 318 of the TERT protein (p.Asp318Tyr). This variant is present in population databases (no rsID available, gnomAD 0.002%). This variant has not been reported in the literature in individuals affected with TERT-related conditions. ClinVar contains an entry for this variant (Variation ID: 1963107). Advanced modeling of protein sequence and biophysical properties (such as structural, functional, and spatial information, amino acid conservation, physicochemical variation, residue mobility, and thermodynamic stability) has been performed at Invitae for this missense variant, however the output from this modeling did not meet the statistical confidence thresholds required to predict the impact of this variant on TERT protein function. In summary, the available evidence is currently insufficient to determine the role of this variant in disease. Therefore, it has been classified as a Variant of Uncertain Significance.